The following is an entry in ClinVar:

NM_001963.6(EGF):c.2371G>A (p.Gly791Ser)

Genes: EGF (epidermal growth factor; plus strand), LOC126807134 (BRD4-independent group 4 enhancer GRCh37_chr4:110900995-110902194; plus strand). Cytogenetic location: 4q25.
Variant type: single nucleotide variant.
Coding change: c.2371G>A on transcript NM_001963.6 (MANE Select); coding-DNA position 2371, G replaced by A.
Protein change: p.Gly791Ser; replaces glycine 791 with serine.
Molecular consequence: missense variant.
Genome position (GRCh38, 1-based): chr4:109,980,975, G>A. VCF-style: chr4-109980975-G-A. GRCh37 (hg19) VCF-style: chr4-110902131-G-A.
Other names: c.2371G>A, p.Gly791Ser (NM_001178130.3); c.2245G>A, p.Gly749Ser (NM_001178131.3, NM_001357021.2); short protein forms G791S, G749S.
Identifiers: ClinVar variation 2192586 (VCV002192586.4), dbSNP rs367868554, ClinGen allele CA3043946.

ClinVar aggregate classification (germline): Uncertain significance (1 of 4 stars; one submission).

Allele frequency attached by ClinVar (database versions not stated): ExAC 0.00001; TOPMed 0.00001; gnomAD 0.00003; ESP Exome Variant Server 0.00008; gnomAD exomes 0.00010.
gnomAD v4.1: 141 of 1,613,914 alleles (0.0087%); highest among the groups gnomAD compares: Non-Finnish European, 0.012%; no homozygotes.

Submission:

Labcorp Genetics (formerly Invitae), Labcorp
Classification: Uncertain significance. Last evaluated: 2022-11-21. Review status: criteria provided, single submitter. Criteria: Invitae Variant Classification Sherloc (09022015). Collection method: clinical testing. Allele origin: germline.
Comment: In summary, the available evidence is currently insufficient to determine the role of this variant in disease. Therefore, it has been classified as a Variant of Uncertain Significance. Variants that disrupt the consensus splice site are a relatively common cause of aberrant splicing (PMID: 17576681, 9536098). Algorithms developed to predict the effect of sequence changes on RNA splicing suggest that this variant may disrupt the consensus splice site. Algorithms developed to predict the effect of missense changes on protein structure and function are either unavailable or do not agree on the potential impact of this missense change (SIFT: "Not Available"; PolyPhen-2: "Benign"; Align-GVGD: "Not Available"). This variant has not been reported in the literature in individuals affected with EGF-related conditions. This variant is present in population databases (rs367868554, gnomAD 0.006%). This sequence change replaces glycine, which is neutral and non-polar, with serine, which is neutral and polar, at codon 791 of the EGF protein (p.Gly791Ser). This variant also falls at the last nucleotide of exon 15, which is part of the consensus splice site for this exon.

Literature cited by the submitters: PubMed 17576681; PubMed 9536098.